The following is an entry in ClinVar:

NM_001082971.2(DDC):c.565G>A (p.Asp189Asn)

Gene: DDC (dopa decarboxylase; minus strand). Cytogenetic location: 7p12.1.
Variant type: single nucleotide variant.
Coding change: c.565G>A on transcript NM_001082971.2 (MANE Select); coding-DNA position 565, G replaced by A.
Protein change: p.Asp189Asn; replaces aspartic acid 189 with asparagine.
Molecular consequence: missense variant. On other transcripts: intron variant (1).
Genome position (GRCh38, 1-based): chr7:50,529,213, C>T on the plus strand (G>A on the coding strand, the complement: DDC is on the minus strand). VCF-style: chr7-50529213-C-T. GRCh37 (hg19) VCF-style: chr7-50596911-C-T.
Other names: c.565G>A, p.Asp189Asn (NM_000790.4, NM_001242887.2, NM_001242890.2); c.451G>A, p.Asp151Asn (NM_001242886.2); c.331G>A, p.Asp111Asn (NM_001242888.2); c.435+8647G>A (NM_001242889.2); short protein forms D111N, D151N, D189N.
Identifiers: ClinVar variation 4687363 (VCV004687363.1).

ClinVar aggregate classification (germline): Uncertain significance (1 of 4 stars; one submission).

gnomAD v4.1: 6 of 1,613,138 alleles (0.00037%); highest among the groups gnomAD compares: South Asian, 0.0022%; no homozygotes.

Submission:

Women's Health and Genetics/Laboratory Corporation of America, LabCorp
Classification: Uncertain significance. Last evaluated: 2025-10-10. Review status: criteria provided, single submitter. Criteria: LabCorp Variant Classification Summary - May 2015. Collection method: clinical testing. Allele origin: germline.
Comment: Variant summary: DDC c.565G>A (p.Asp189Asn) results in a conservative amino acid change in the encoded protein sequence. Algorithms developed to predict the effect of missense changes on protein structure and function are either unavailable or do not agree on the potential impact of this missense change. The variant allele was found at a frequency of 8e-06 in 251438 control chromosomes. The available data on variant occurrences in the general population are insufficient to allow any conclusion about variant significance. To our knowledge, no occurrence of c.565G>A in individuals affected with DDC-related conditions and no experimental evidence demonstrating its impact on protein function have been reported. No submitters have cited clinical-significance assessments for this variant to ClinVar. Based on the evidence outlined above, the variant was classified as uncertain significance.